The following is an entry in ClinVar:

ClinVar aggregate classification (germline): Uncertain significance. Review status: criteria provided, single submitter (1 of 4 stars). 2 submissions from 2 submitters: Uncertain significance (1). 1 of the submissions does not count toward it. Last evaluated 2021-07-08.

Conditions:
Prostate cancer, hereditary, 1 (HPC1). Identifiers: Orphanet 1331, MedGen C4722327, MONDO:0011098, OMIM 601518.

Submissions (2):

Labcorp Genetics (formerly Invitae), Labcorp
Classification: Uncertain significance. Last evaluated: 2021-07-08. Review status: criteria provided, single submitter. Criteria: Invitae Variant Classification Sherloc (09022015). Collection method: clinical testing. Allele origin: germline.
Comment: In summary, the available evidence is currently insufficient to determine the role of this variant in disease. Therefore, it has been classified as a Variant of Uncertain Significance. Algorithms developed to predict the effect of missense changes on protein structure and function are either unavailable or do not agree on the potential impact of this missense change (SIFT: "Tolerated"; PolyPhen-2: "Probably Damaging"; Align-GVGD: "Class C0"). ClinVar contains an entry for this variant (Variation ID: 690609). This variant has not been reported in the literature in individuals affected with HOXB13-related conditions. This variant is not present in population databases (ExAC no frequency). This sequence change replaces cysteine with serine at codon 63 of the HOXB13 protein (p.Cys63Ser). The cysteine residue is moderately conserved and there is a moderate physicochemical difference between cysteine and serine.

Laboratory of Virology, Microbiology,  Quality and Medical Biotechnologies, Faculty of Sciences and Techniques - Mohammedia, Hassan II University of Casablanca
Classification: Uncertain significance for Prostate cancer, hereditary, 1. Review status: no assertion criteria provided. Collection method: clinical testing. Allele origin: somatic. Affected: yes. Not counted in ClinVar's aggregate classification.

NM_006361.6(HOXB13):c.187T>A (p.Cys63Ser)

Gene: HOXB13 (homeobox B13; minus strand). Cytogenetic location: 17q21.32.
Variant type: single nucleotide variant.
Coding change: c.187T>A on transcript NM_006361.6 (MANE Select); coding-DNA position 187, T replaced by A.
Protein change: p.Cys63Ser; replaces cysteine 63 with serine.
Molecular consequence: missense variant.
Genome position (GRCh38, 1-based): chr17:48,728,407, A>T on the plus strand (T>A on the coding strand, the complement: HOXB13 is on the minus strand). VCF-style: chr17-48728407-A-T. GRCh37 (hg19) VCF-style: chr17-46805769-A-T.
Other names: short protein forms C63S.
Identifiers: ClinVar variation 690609 (VCV000690609.9), dbSNP rs758166293, ClinGen allele CA400107999.
Genomic context (GRCh38, chr17:48,728,407, plus strand): 5'-AGTAACCATAAGGCACGGGAGCTGGGGACGTCCCCTGGGGCACCCCAGGGCATGGGTGGC[A>T]TTGCTTTGGCGGCTCCGCCGAGCCTGGCAGATCCAAGGGGGCATAGTTGACAGCAGGCAT-3'
Protein context (NP_006352.2, residues 53-73): LPGSAEPPKQ[Cys63Ser]HPCPGVPQGT